The following is an entry in ClinVar:

ClinVar aggregate classification (germline): Uncertain significance (1 of 4 stars; one submission).

Conditions:
Candidiasis, familial, 9 (CANDF9). Identifiers: Orphanet 1334, MedGen C4225324, MONDO:0014642, OMIM 616445.

Submission:

Labcorp Genetics (formerly Invitae), Labcorp
Classification: Uncertain significance for Candidiasis, familial, 9. Last evaluated: 2022-10-18. Review status: criteria provided, single submitter. Criteria: Invitae Variant Classification Sherloc (09022015). Collection method: clinical testing. Allele origin: germline.
Comment: This sequence change replaces glutamic acid, which is acidic and polar, with glycine, which is neutral and non-polar, at codon 185 of the IL17RC protein (p.Glu185Gly). This variant is not present in population databases (gnomAD no frequency). This variant has not been reported in the literature in individuals affected with IL17RC-related conditions. ClinVar contains an entry for this variant (Variation ID: 1036347). Algorithms developed to predict the effect of missense changes on protein structure and function output the following: SIFT: "Tolerated"; PolyPhen-2: "Benign"; Align-GVGD: "Class C0". The glycine amino acid residue is found in multiple mammalian species, which suggests that this missense change does not adversely affect protein function. Algorithms developed to predict the effect of sequence changes on RNA splicing suggest that this variant may disrupt the consensus splice site. In summary, the available evidence is currently insufficient to determine the role of this variant in disease. Therefore, it has been classified as a Variant of Uncertain Significance.

NM_153460.4(IL17RC):c.341A>G (p.Glu114Gly)

Gene: IL17RC (interleukin 17 receptor C; plus strand). Cytogenetic location: 3p25.3.
Variant type: single nucleotide variant.
Coding change: c.341A>G on transcript NM_153460.4 (MANE Select); coding-DNA position 341, A replaced by G.
Protein change: p.Glu114Gly; replaces glutamic acid 114 with glycine.
Molecular consequence: missense variant. On other transcripts: non-coding transcript variant (1), intron variant (1).
Genome position (GRCh38, 1-based): chr3:9,918,395, A>G. VCF-style: chr3-9918395-A-G. GRCh37 (hg19) VCF-style: chr3-9960079-A-G.
Other names: c.341A>G, p.Glu114Gly (NM_001203263.2, NM_001203264.2, NM_001203265.2 and 3 more transcripts); c.554A>G, p.Glu185Gly (NM_153461.4); c.281-105A>G (NM_001367279.1); short protein forms E185G, E114G.
Identifiers: ClinVar variation 1036347 (VCV001036347.5), dbSNP rs2083280727, ClinGen allele CA351755791.